The following is an entry in ClinVar:

NM_014727.3(KMT2B):c.6853T>G (p.Ser2285Ala)

Gene: KMT2B (lysine methyltransferase 2B; plus strand). Cytogenetic location: 19q13.12.
Variant type: single nucleotide variant.
Coding change: c.6853T>G on transcript NM_014727.3 (MANE Select); coding-DNA position 6853, T replaced by G.
Protein change: p.Ser2285Ala; replaces serine 2285 with alanine.
Molecular consequence: missense variant.
Genome position (GRCh38, 1-based): chr19:35,733,402, T>G. VCF-style: chr19-35733402-T-G. GRCh37 (hg19) VCF-style: chr19-36224303-T-G.
Other names: short protein forms S2285A.
Identifiers: ClinVar variation 3346066 (VCV003346066.1).

ClinVar aggregate classification (germline): Uncertain significance (0 of 4 stars; one submission).

Conditions:
KMT2B-related disorder. Also called: KMT2B-related disorders; KMT2B-related condition. Identifiers: MedGen CN381338.

Submission:

PreventionGenetics, part of Exact Sciences
Classification: Uncertain significance for KMT2B-related condition. Last evaluated: 2024-08-14. Review status: no assertion criteria provided. Collection method: clinical testing. Allele origin: germline.
Comment: The KMT2B c.6853T>G variant is predicted to result in the amino acid substitution p.Ser2285Ala. To our knowledge, this variant has not been reported in the literature or in a large population database, indicating this variant is rare. At this time, the clinical significance of this variant is uncertain due to the absence of conclusive functional and genetic evidence.